The following is an entry in ClinVar:

NM_001278064.2(GRM1):c.624C>T (p.Asp208=)

Gene: GRM1 (glutamate metabotropic receptor 1; plus strand). Cytogenetic location: 6q24.3.
Variant type: single nucleotide variant.
Coding change: c.624C>T on transcript NM_001278064.2 (MANE Select); coding-DNA position 624, C replaced by T.
Protein change: p.Asp208=; no amino-acid change (aspartic acid 208 retained).
Molecular consequence: synonymous variant.
Genome position (GRCh38, 1-based): chr6:146,030,141, C>T. VCF-style: chr6-146030141-C-T. GRCh37 (hg19) VCF-style: chr6-146351277-C-T.
Other names: c.624C>T, p.Asp208= (NM_001278065.2, NM_001278066.1, NM_001278067.1).
Identifiers: ClinVar variation 789751 (VCV000789751.12), dbSNP rs112670841, ClinGen allele CA4037085.
Genomic context (GRCh38, chr6:146,030,141, plus strand): 5'-AAGCATCGACCTGAGTGACAAAACTTTGTACAAATACTTCCTGAGGGTTGTCCCTTCTGA[C>T]ACTTTGCAGGCAAGGGCCATGCTTGACATAGTCAAACGTTACAATTGGACCTATGTCTCT-3'
Protein context (NP_001264993.1, residues 198-218): YKYFLRVVPS[Asp208=]TLQARAMLDI

ClinVar aggregate classification (germline): Benign. Review status: criteria provided, multiple submitters, no conflicts (2 of 4 stars). 3 submissions from 3 submitters: Benign (3). Last evaluated 2025-12-18.

Allele frequency attached by ClinVar (database versions not stated): ESP Exome Variant Server 0.00100; gnomAD 0.00395 and 0.00479; TOPMed 0.00424; ExAC 0.00829; 1000 Genomes Project 30x 0.01327; 1000 Genomes Project 0.01378.
gnomAD v4.1: 5,244 of 1,614,122 alleles (0.32%); highest among the groups gnomAD compares: East Asian, 6.5%; 118 homozygotes.

Submissions (3):

Labcorp Genetics (formerly Invitae), Labcorp
Classification: Benign. Last evaluated: 2025-12-18. Review status: criteria provided, single submitter. Criteria: Invitae Variant Classification Sherloc (09022015). Collection method: clinical testing. Allele origin: germline.

Athena Diagnostics
Classification: Benign. Last evaluated: 2024-05-17. Review status: criteria provided, single submitter. Criteria: Athena Diagnostics Criteria. Collection method: clinical testing. Allele origin: unknown.

GeneDx
Classification: Benign. Last evaluated: 2022-02-13. Review status: criteria provided, single submitter. Criteria: GeneDx Variant Classification Process June 2021. Collection method: clinical testing. Allele origin: germline. Affected: yes.
Comment: See Variant Classification Assertion Criteria.

Literature cited by the submitters: PubMed 21376300 (cited by Athena Diagnostics).